The following is an entry in ClinVar:

NM_001206927.2(DNAH8):c.551C>T (p.Ala184Val)

Gene: DNAH8 (dynein axonemal heavy chain 8; plus strand). Cytogenetic location: 6p21.2.
Variant type: single nucleotide variant.
Coding change: c.551C>T on transcript NM_001206927.2 (MANE Select); coding-DNA position 551, C replaced by T.
Protein change: p.Ala184Val; replaces alanine 184 with valine.
Molecular consequence: missense variant. On other transcripts: intron variant (1).
Genome position (GRCh38, 1-based): chr6:38,729,927, C>T. VCF-style: chr6-38729927-C-T. GRCh37 (hg19) VCF-style: chr6-38697703-C-T.
Other names: c.-41-4547C>T (NM_001371.4); c.551C>T (NM_001206927.1); short protein forms A184V.
Identifiers: ClinVar variation 2180283 (VCV002180283.3), dbSNP rs368460226, ClinGen allele CA3787971.

ClinVar aggregate classification (germline): Conflicting classifications of pathogenicity. Review status: criteria provided, conflicting classifications (1 of 4 stars). 3 submissions from 3 submitters: Uncertain significance (2); Likely benign (1). Last evaluated 2025-06-09.

Conditions:
Primary ciliary dyskinesia. Also called: Ciliary dyskinesia. Identifiers: Orphanet 244, MedGen C0008780, MONDO:0016575, HP:0012265.

Allele frequency attached by ClinVar (database versions not stated): ExAC 0.00003; gnomAD exomes 0.00004; gnomAD 0.00007; TOPMed 0.00008.
gnomAD v4.1: 77 of 1,591,388 alleles (0.0048%); highest among the groups gnomAD compares: Middle Eastern, 0.017%; no homozygotes.

Submissions (3):

Ambry Genetics
Classification: Likely benign. Last evaluated: 2025-06-09. Review status: criteria provided, single submitter. Criteria: Ambry Variant Classification Scheme 2023. Collection method: clinical testing. Allele origin: germline.

Labcorp Genetics (formerly Invitae), Labcorp
Classification: Uncertain significance for Primary ciliary dyskinesia. Last evaluated: 2022-06-28. Review status: criteria provided, single submitter. Criteria: Invitae Variant Classification Sherloc (09022015). Collection method: clinical testing. Allele origin: germline.
Comment: This sequence change replaces alanine, which is neutral and non-polar, with valine, which is neutral and non-polar, at codon 184 of the DNAH8 protein (p.Ala184Val). This variant is present in population databases (rs368460226, gnomAD 0.02%). This variant has not been reported in the literature in individuals affected with DNAH8-related conditions. Algorithms developed to predict the effect of missense changes on protein structure and function output the following: SIFT: "Tolerated"; PolyPhen-2: "Not Available"; Align-GVGD: "Class C0". The valine amino acid residue is found in multiple mammalian species, which suggests that this missense change does not adversely affect protein function. Algorithms developed to predict the effect of sequence changes on RNA splicing suggest that this variant may disrupt the consensus splice site. In summary, the available evidence is currently insufficient to determine the role of this variant in disease. Therefore, it has been classified as a Variant of Uncertain Significance.

Blueprint Genetics
Classification: Uncertain significance. Last evaluated: 2022-01-31. Review status: criteria provided, single submitter. Criteria: ACMG Guidelines, 2015. Collection method: clinical testing. Allele origin: germline.